The following is an entry in ClinVar:

ClinVar aggregate classification (germline): Uncertain significance (1 of 4 stars; one submission).

Conditions:
3-methylcrotonyl-CoA carboxylase 1 deficiency (MCC1D). Also called: MCCD TYPE 1; METHYLCROTONYLGLYCINURIA TYPE I; MCC 1 deficiency; 3 Alpha methylcrotonylglycinuria 1. Identifiers: Orphanet 6, MedGen CN028786, MONDO:0008861, OMIM 210200.

Allele frequency attached by ClinVar (database versions not stated): TOPMed below 0.00001; gnomAD 0.00001.
gnomAD v4.1: 2 of 1,614,080 alleles (0.00012%); highest among the groups gnomAD compares: Non-Finnish European, 0.00017%; no homozygotes.

Submission:

Labcorp Genetics (formerly Invitae), Labcorp
Classification: Uncertain significance for 3-methylcrotonyl-CoA carboxylase 1 deficiency. Last evaluated: 2022-08-09. Review status: criteria provided, single submitter. Criteria: Invitae Variant Classification Sherloc (09022015). Collection method: clinical testing. Allele origin: germline.
Comment: This sequence change replaces threonine, which is neutral and polar, with isoleucine, which is neutral and non-polar, at codon 376 of the MCCC1 protein (p.Thr376Ile). This variant is not present in population databases (gnomAD no frequency). This variant has not been reported in the literature in individuals affected with MCCC1-related conditions. ClinVar contains an entry for this variant (Variation ID: 1487302). Algorithms developed to predict the effect of missense changes on protein structure and function (SIFT, PolyPhen-2, Align-GVGD) all suggest that this variant is likely to be tolerated. In summary, the available evidence is currently insufficient to determine the role of this variant in disease. Therefore, it has been classified as a Variant of Uncertain Significance.

NM_020166.5(MCCC1):c.1127C>T (p.Thr376Ile)

Gene: MCCC1 (methylcrotonyl-CoA carboxylase subunit 1; minus strand). Cytogenetic location: 3q27.1.
Variant type: single nucleotide variant.
Coding change: c.1127C>T on transcript NM_020166.5 (MANE Select); coding-DNA position 1127, C replaced by T.
Protein change: p.Thr376Ile; replaces threonine 376 with isoleucine.
Molecular consequence: missense variant. On other transcripts: non-coding transcript variant (2).
Genome position (GRCh38, 1-based): chr3:183,041,707, G>A on the plus strand (C>T on the coding strand, the complement: MCCC1 is on the minus strand). VCF-style: chr3-183041707-G-A. GRCh37 (hg19) VCF-style: chr3-182759495-G-A.
Other names: c.776C>T, p.Thr259Ile (NM_001293273.2); c.800C>T, p.Thr267Ile (NM_001363880.1); short protein forms T376I, T259I, T267I.
Identifiers: ClinVar variation 1487302 (VCV001487302.3), dbSNP rs1714102747, ClinGen allele CA355323244.